The following is an entry in ClinVar:

ClinVar aggregate classification (germline): Uncertain significance. Review status: criteria provided, multiple submitters, no conflicts (2 of 4 stars). 2 submissions from 2 submitters: Uncertain significance (2). Last evaluated 2026-08-18.

Conditions:
Inborn genetic diseases. Identifiers: MedGen C0950123, MeSH D030342.

gnomAD v4.1: 5 of 1,614,038 alleles (0.00031%); highest among the groups gnomAD compares: Non-Finnish European, 0.00034%; no homozygotes.

Submissions (2):

Ambry Genetics
Classification: Uncertain significance for Inborn genetic diseases. Last evaluated: 2026-08-18. Review status: criteria provided, single submitter. Criteria: Ambry Variant Classification Scheme 2023. Collection method: clinical testing. Allele origin: germline.
Comment: The c.1258+4T>C intronic variant results from a T to C substitution 4 nucleotides after coding exon 4 in the MBD4 gene. This nucleotide position is not well conserved in available vertebrate species. In silico splice site analysis predicts that this alteration will not have any significant effect on splicing. Based on the available evidence, the clinical significance of this variant remains unclear.

Labcorp Genetics (formerly Invitae), Labcorp
Classification: Uncertain significance. Last evaluated: 2025-09-21. Review status: criteria provided, single submitter. Criteria: Invitae Variant Classification Sherloc (09022015). Collection method: clinical testing. Allele origin: germline.
Comment: This sequence change falls in intron 4 of the MBD4 gene. It does not directly change the encoded amino acid sequence of the MBD4 protein. It affects a nucleotide within the consensus splice site. This variant is present in population databases (rs770768110, gnomAD 0.003%). This variant has not been reported in the literature in individuals affected with MBD4-related conditions. Variants that disrupt the consensus splice site are a relatively common cause of aberrant splicing (PMID: 17576681, 9536098). Algorithms developed to predict the effect of sequence changes on RNA splicing suggest that this variant is not likely to affect RNA splicing. In summary, the available evidence is currently insufficient to determine the role of this variant in disease. Therefore, it has been classified as a Variant of Uncertain Significance.

Literature cited by the submitters: PubMed 17576681 (cited by Labcorp Genetics (formerly Invitae), Labcorp); PubMed 9536098 (cited by Labcorp Genetics (formerly Invitae), Labcorp).

NM_001276270.2(MBD4):c.1258+4T>C

Gene: MBD4 (methyl-CpG binding domain 4, DNA glycosylase; minus strand). Cytogenetic location: 3q21.3.
Variant type: single nucleotide variant.
Coding change: c.1258+4T>C on transcript NM_001276270.2 (MANE Select); 4 bases into the intron after coding-DNA position 1258, T replaced by C.
Molecular consequence: intron variant.
Genome position (GRCh38, 1-based): chr3:129,434,058, A>G on the plus strand (T>C on the coding strand, the complement: MBD4 is on the minus strand). VCF-style: chr3-129434058-A-G. GRCh37 (hg19) VCF-style: chr3-129152901-A-G.
Other names: c.322+4T>C (NM_001276273.2); c.1276+4T>C (NM_001276272.2, NM_003925.3, NM_001276271.2).
Identifiers: ClinVar variation 4724568 (VCV004724568.2).
Genomic context (GRCh38, chr3:129,434,058, plus strand): 5'-GTGCATCAGAATTGAAAACCCAAAATGGAATTAGAATTTGCTGTTCTGATTGGGAAAGGG[A>G]TACCTTCTTTGTTATATTTGCTGGAAAAATACAGGCTTGTTTTCCTTCTTTCTATCTGTG-3'